The following is an entry in ClinVar:

NM_144997.7(FLCN):c.1541A>C (p.Lys514Thr)

Gene: FLCN (folliculin; minus strand). Cytogenetic location: 17p11.2.
Variant type: single nucleotide variant.
Coding change: c.1541A>C on transcript NM_144997.7 (MANE Select); coding-DNA position 1541, A replaced by C.
Protein change: p.Lys514Thr; replaces lysine 514 with threonine.
Molecular consequence: missense variant.
Genome position (GRCh38, 1-based): chr17:17,213,854, T>G on the plus strand (A>C on the coding strand, the complement: FLCN is on the minus strand). VCF-style: chr17-17213854-T-G. GRCh37 (hg19) VCF-style: chr17-17117168-T-G.
Other names: c.1595A>C, p.Lys532Thr (NM_001353229.2); c.1541A>C, p.Lys514Thr (NM_001353230.2, NM_001353231.2); short protein forms K532T, K514T.
Identifiers: ClinVar variation 2566335 (VCV002566335.5), dbSNP rs2544126597, ClinGen allele CA398530535.

ClinVar aggregate classification (germline): Uncertain significance. Review status: criteria provided, multiple submitters, no conflicts (2 of 4 stars). 2 submissions from 2 submitters: Uncertain significance (2). Last evaluated 2023-12-07.

Conditions:
Birt-Hogg-Dube syndrome. Also called: Birt Hogg Dubé syndrome. Identifiers: Orphanet 122, MedGen C0346010, MONDO:0800444.
Hereditary cancer-predisposing syndrome. Also called: Neoplastic Syndromes, Hereditary; Hereditary Cancer Syndrome; Tumor predisposition; Hereditary neoplastic syndrome. Identifiers: Orphanet 140162, MedGen C0027672, MeSH D009386, MONDO:0015356.

Submissions (2):

Labcorp Genetics (formerly Invitae), Labcorp
Classification: Uncertain significance for Birt-Hogg-Dube syndrome. Last evaluated: 2023-12-07. Review status: criteria provided, single submitter. Criteria: Invitae Variant Classification Sherloc (09022015). Collection method: clinical testing. Allele origin: germline.
Comment: This sequence change replaces lysine, which is basic and polar, with threonine, which is neutral and polar, at codon 514 of the FLCN protein (p.Lys514Thr). This variant is not present in population databases (gnomAD no frequency). This variant has not been reported in the literature in individuals affected with FLCN-related conditions. ClinVar contains an entry for this variant (Variation ID: 2566335). An algorithm developed to predict the effect of missense changes on protein structure and function (PolyPhen-2) suggests that this variant is likely to be disruptive. Algorithms developed to predict the effect of sequence changes on RNA splicing suggest that this variant may create or strengthen a splice site. In summary, the available evidence is currently insufficient to determine the role of this variant in disease. Therefore, it has been classified as a Variant of Uncertain Significance.

Ambry Genetics
Classification: Uncertain significance for Hereditary cancer-predisposing syndrome. Last evaluated: 2023-06-01. Review status: criteria provided, single submitter. Criteria: Ambry Variant Classification Scheme 2023. Collection method: clinical testing. Allele origin: germline.
Comment: The p.K514T variant (also known as c.1541A>C), located in coding exon 11 of the FLCN gene, results from an A to C substitution at nucleotide position 1541. The lysine at codon 514 is replaced by threonine, an amino acid with similar properties. This amino acid position is highly conserved in available vertebrate species. In addition, this alteration is predicted to be deleterious by in silico analysis. Since supporting evidence is limited at this time, the clinical significance of this alteration remains unclear.